The following is an entry in ClinVar:

NM_001164508.2(NEB):c.9071C>T (p.Ala3024Val)

Gene: NEB (nebulin; minus strand). Cytogenetic location: 2q23.3.
Variant type: single nucleotide variant.
Coding change: c.9071C>T on transcript NM_001164508.2 (MANE Select); coding-DNA position 9071, C replaced by T.
Protein change: p.Ala3024Val; replaces alanine 3024 with valine.
Molecular consequence: missense variant. On other transcripts: intron variant (1).
Genome position (GRCh38, 1-based): chr2:151,636,258, G>A on the plus strand (C>T on the coding strand, the complement: NEB is on the minus strand). VCF-style: chr2-151636258-G-A. GRCh37 (hg19) VCF-style: chr2-152492772-G-A.
Other names: p.Ala3024Val; c.9071C>T, p.Ala3024Val (NM_001164507.2, NM_001271208.2); c.8853+3635C>T (NM_004543.5); short protein forms A3024V.
Identifiers: ClinVar variation 257836 (VCV000257836.46), dbSNP rs143933602, ClinGen allele CA1909422.
Genomic context (GRCh38, chr2:151,636,258, plus strand): 5'-ACATACTCAGAATGGAATTGACAACTCACGTCACTGATGATGTCCCTGGAGGCCTTGGCC[G>A]CCACGATGGGGATGGCGTCGCTTCGCAAGTCATAGCCTTTCTTCTTTGCTTCTTCATTAG-3'
Protein context (NP_001157980.2, residues 3014-3034): DLRSDAIPIV[Ala3024Val]AKASRDIISD

ClinVar aggregate classification (germline): Conflicting classifications of pathogenicity. Review status: criteria provided, conflicting classifications (1 of 4 stars). 9 submissions from 9 submitters: Uncertain significance (2); Likely benign (6). 1 of the submissions does not count toward it. Last evaluated 2026-01-27.

Conditions:
Nemaline myopathy 2 (NEM2). Also called: Nemaline myopathy 2, autosomal recessive. Identifiers: MedGen C1850569, MONDO:0009725, OMIM 256030.

Allele frequency attached by ClinVar (database versions not stated): 1000 Genomes Project 30x 0.00094; ExAC 0.00110; gnomAD exomes 0.00119 and 0.00239; ESP Exome Variant Server 0.00482; 1000 Genomes Project 0.00080; gnomAD 0.00157 and 0.00162; TOPMed 0.00171.
gnomAD v4.1: 3,670 of 1,610,070 alleles (0.23%); highest among the groups gnomAD compares: Non-Finnish European, 0.29%; 6 homozygotes.

Submissions (9):

Labcorp Genetics (formerly Invitae), Labcorp
Classification: Likely benign for Nemaline myopathy 2. Last evaluated: 2026-01-27. Review status: criteria provided, single submitter. Criteria: Invitae Variant Classification Sherloc (09022015). Collection method: clinical testing. Allele origin: germline.

Mayo Clinic Laboratories, Mayo Clinic
Classification: Likely benign. Last evaluated: 2025-11-01. Review status: criteria provided, single submitter. Criteria: ACMG Guidelines, 2015. Collection method: clinical testing. Allele origin: germline. Observed: 1 variant allele.
Comment: BS2, BP4

CeGaT Center for Human Genetics Tuebingen
Classification: Likely benign. Last evaluated: 2025-10-01. Review status: criteria provided, single submitter. Criteria: CeGaT Center For Human Genetics Tuebingen Variant Classification Criteria Version 2. Collection method: clinical testing. Allele origin: germline. Affected: yes. Observed: 5 variant alleles.
Comment: NEB: BP4, BS2

Athena Diagnostics
Classification: Likely benign. Last evaluated: 2025-09-10. Review status: criteria provided, single submitter. Criteria: Athena Diagnostics Criteria. Collection method: clinical testing. Allele origin: unknown.
Comment: The frequency of this variant in the general population is higher than would generally be expected for pathogenic variants in this gene.

Women's Health and Genetics/Laboratory Corporation of America, LabCorp
Classification: Uncertain significance. Last evaluated: 2024-09-27. Review status: criteria provided, single submitter. Criteria: LabCorp Variant Classification Summary - May 2015. Collection method: clinical testing. Allele origin: germline.
Comment: Variant summary: NEB c.9071C>T (p.Ala3024Val) results in a non-conservative amino acid change in the encoded protein sequence. Three of four in-silico tools predict a damaging effect of the variant on protein function. The variant allele was found at a frequency of 0.0012 in 246034 control chromosomes. This frequency is not significantly higher than estimated for a pathogenic variant in NEB causing Nemaline Myopathy 2 (0.0012 vs 0.0035), allowing no conclusion about variant significance. To our knowledge, no occurrence of c.9071C>T in individuals affected with Nemaline Myopathy 2 and no experimental evidence demonstrating its impact on protein function have been reported. ClinVar contains an entry for this variant (Variation ID: 257836). Based on the evidence outlined above, the variant was classified as uncertain significance.

GeneDx
Classification: Likely benign. Last evaluated: 2021-03-29. Review status: criteria provided, single submitter. Criteria: GeneDx Variant Classification Process June 2021. Collection method: clinical testing. Allele origin: germline. Affected: yes.

Eurofins Ntd Llc (ga)
Classification: Uncertain significance. Last evaluated: 2016-01-05. Review status: criteria provided, single submitter. Criteria: EGL Classification Definitions 2015. Collection method: clinical testing. Allele origin: germline. Observed: 1 variant allele, 1 heterozygote.

PreventionGenetics, part of Exact Sciences
Classification: Likely benign. Review status: criteria provided, single submitter. Criteria: ACMG Guidelines, 2015. Collection method: clinical testing. Allele origin: germline.

Natera, Inc.
Classification: Uncertain significance for Nemaline myopathy type 2. Last evaluated: 2019-11-11. Review status: no assertion criteria provided. Collection method: clinical testing. Allele origin: germline. Not counted in ClinVar's aggregate classification.

Literature cited by the submitters: PubMed 29970176 (cited by Athena Diagnostics).